The following is an entry in ClinVar:

NM_001040108.2(MLH3):c.735C>T (p.Tyr245=)

Gene: MLH3 (mutL homolog 3; minus strand). Cytogenetic location: 14q24.3.
Variant type: single nucleotide variant.
Coding change: c.735C>T on transcript NM_001040108.2 (MANE Select); coding-DNA position 735, C replaced by T.
Protein change: p.Tyr245=; no amino-acid change (tyrosine 245 retained).
Molecular consequence: synonymous variant.
Genome position (GRCh38, 1-based): chr14:75,048,921, G>A on the plus strand (C>T on the coding strand, the complement: MLH3 is on the minus strand). VCF-style: chr14-75048921-G-A. GRCh37 (hg19) VCF-style: chr14-75515624-G-A.
Other names: c.735C>T, p.Tyr245= (NM_014381.3).
Identifiers: ClinVar variation 416454 (VCV000416454.23), dbSNP rs111782152, ClinGen allele CA7275973.

ClinVar aggregate classification (germline): Benign/Likely benign. Review status: criteria provided, multiple submitters, no conflicts (2 of 4 stars). 8 submissions from 7 submitters: Benign (5); Likely benign (3). Last evaluated 2026-04-29.

Conditions:
Colorectal cancer, hereditary nonpolyposis, type 7. Identifiers: Orphanet 144, MedGen C1858380, MONDO:0013725, OMIM 614385.
Endometrial carcinoma. Also called: Endometrial carcinoma, somatic. Identifiers: MedGen C0476089, MONDO:0002447, OMIM 608089, HP:0012114.
Colorectal cancer. Also called: Colorectal cancer, somatic; Malignant Colorectal Neoplasm. Identifiers: MedGen C0346629, MONDO:0005575, OMIM 114500.

Allele frequency attached by ClinVar (database versions not stated): gnomAD exomes 0.00038; ExAC 0.00046; 1000 Genomes Project 0.00120; 1000 Genomes Project 30x 0.00125; gnomAD 0.00162 and 0.00172; ESP Exome Variant Server 0.00185; TOPMed 0.00192.
gnomAD v4.1: 464 of 1,613,344 alleles (0.029%); highest among the groups gnomAD compares: African/African-American, 0.53%; 1 homozygote.

Submissions (8):

Myriad Genetics, Inc.
Classification: Benign for Colorectal cancer, hereditary nonpolyposis, type 7. Last evaluated: 2026-04-29. Review status: criteria provided, single submitter. Criteria: Myriad Autosomal Dominant, Autosomal Recessive and X-Linked Classification Criteria (2023). Collection method: clinical testing. Allele origin: unknown.
Comment: This variant is considered benign. This variant is a silent/synonymous amino acid change and it is not expected to impact splicing.

Labcorp Genetics (formerly Invitae), Labcorp
Classification: Benign for Colorectal cancer, hereditary nonpolyposis, type 7. Last evaluated: 2026-01-19. Review status: criteria provided, single submitter. Criteria: Invitae Variant Classification Sherloc (09022015). Collection method: clinical testing. Allele origin: germline.

Center for Genomic Medicine, Rigshospitalet, Copenhagen University Hospital
Classification: Likely benign. Last evaluated: 2025-03-04. Review status: criteria provided, single submitter. Criteria: ACMG Guidelines, 2015. Collection method: clinical testing. Allele origin: germline.

KCCC/NGS Laboratory, Kuwait Cancer Control Center
Classification: Benign for Endometrial carcinoma. Last evaluated: 2025-02-01. Review status: criteria provided, single submitter. Criteria: ACMG Guidelines, 2015. Collection method: clinical testing. Allele origin: germline. Affected: no.

Blueprint Genetics
Classification: Likely benign. Last evaluated: 2024-10-22. Review status: criteria provided, single submitter. Criteria: ACMG Guidelines, 2015. Collection method: clinical testing. Allele origin: germline.

Department of Pathology and Laboratory Medicine, Sinai Health System
Classification: Likely benign for Colorectal cancer; Endometrial carcinoma; Colorectal cancer, hereditary nonpolyposis, type 7. Last evaluated: 2024-08-14. Review status: criteria provided, single submitter. Criteria: ACMG Guidelines, 2015. Collection method: clinical testing. Allele origin: germline.

KCCC/NGS Laboratory, Kuwait Cancer Control Center
Classification: Benign for Colorectal cancer, hereditary nonpolyposis, type 7. Last evaluated: 2023-07-07. Review status: criteria provided, single submitter. Criteria: ACMG Guidelines, 2015. Collection method: clinical testing. Allele origin: germline. Affected: yes.

Ambry Genetics
Classification: Benign. Last evaluated: 2020-09-24. Review status: criteria provided, single submitter. Criteria: Ambry Variant Classification Scheme 2023. Collection method: clinical testing. Allele origin: germline.